The following is an entry in ClinVar:

ClinVar aggregate classification (germline): Likely benign (1 of 4 stars; one submission).

Allele frequency attached by ClinVar (database versions not stated): TOPMed 0.00001; gnomAD 0.00002.
gnomAD v4.1: 3 of 152,132 alleles (0.002%); highest among the groups gnomAD compares: African/African-American, 0.0048%; no homozygotes.

Submission:

GeneDx
Classification: Likely benign. Last evaluated: 2017-03-28. Review status: criteria provided, single submitter. Criteria: GeneDx Variant Classification (06012015). Collection method: clinical testing. Allele origin: germline. Affected: yes.
Comment: This variant is considered likely benign or benign based on one or more of the following criteria: it is a conservative change, it occurs at a poorly conserved position in the protein, it is predicted to be benign by multiple in silico algorithms, and/or has population frequency not consistent with disease.

NM_133642.5(LARGE1):c.-83+63195C>A

Gene: LARGE1 (LARGE xylosyl- and glucuronyltransferase 1; minus strand). Cytogenetic location: 22q12.3.
Variant type: single nucleotide variant.
Coding change: c.-83+63195C>A on transcript NM_133642.5 (MANE Select); 63195 bases into the intron after 83 bases upstream of the start codon, C replaced by A.
Molecular consequence: intron variant. On other transcripts: 5 prime UTR variant (4).
Genome position (GRCh38, 1-based): chr22:33,856,800, G>T on the plus strand (C>A on the coding strand, the complement: LARGE1 is on the minus strand). VCF-style: chr22-33856800-G-T. GRCh37 (hg19) VCF-style: chr22-34252788-G-T.
Other names: c.-143C>A (NM_001362949.2, NM_001378624.1, NM_001378625.1 and 1 more transcripts); c.-83+65821C>A (NM_001362953.2); c.-83+65677C>A (NM_001378627.1, NM_001362951.2); c.-83+63195C>A (NM_001378629.1, NM_001378628.1); c.-83+16308C>A (NM_001378626.1).
Identifiers: ClinVar variation 508491 (VCV000508491.1), dbSNP rs1326085467, ClinGen allele CA658799541.